The following is an entry in ClinVar:

NM_001286.5(CLCN6):c.1484G>T (p.Cys495Phe)

Gene: CLCN6 (chloride voltage-gated channel 6; plus strand). Cytogenetic location: 1p36.22.
Variant type: single nucleotide variant.
Coding change: c.1484G>T on transcript NM_001286.5 (MANE Select); coding-DNA position 1484, G replaced by T.
Protein change: p.Cys495Phe; replaces cysteine 495 with phenylalanine.
Molecular consequence: missense variant. On other transcripts: non-coding transcript variant (1).
Genome position (GRCh38, 1-based): chr1:11,833,988, G>T. VCF-style: chr1-11833988-G-T. GRCh37 (hg19) VCF-style: chr1-11894045-G-T.
Other names: c.1418G>T, p.Cys473Phe (NM_001256959.2); short protein forms C495F, C473F.
Identifiers: ClinVar variation 2717198 (VCV002717198.3), dbSNP rs2523153928, ClinGen allele CA338435580.

ClinVar aggregate classification (germline): Uncertain significance (1 of 4 stars; one submission).

Submission:

Labcorp Genetics (formerly Invitae), Labcorp
Classification: Uncertain significance. Last evaluated: 2023-05-25. Review status: criteria provided, single submitter. Criteria: Invitae Variant Classification Sherloc (09022015). Collection method: clinical testing. Allele origin: germline.
Comment: This sequence change replaces cysteine, which is neutral and slightly polar, with phenylalanine, which is neutral and non-polar, at codon 495 of the CLCN6 protein (p.Cys495Phe). This variant is not present in population databases (gnomAD no frequency). In summary, the available evidence is currently insufficient to determine the role of this variant in disease. Therefore, it has been classified as a Variant of Uncertain Significance. An algorithm developed to predict the effect of missense changes on protein structure and function (PolyPhen-2) suggests that this variant is likely to be disruptive. This variant has not been reported in the literature in individuals affected with CLCN6-related conditions.